The following is an entry in ClinVar:

NM_001378609.3(OTOGL):c.4534T>C (p.Cys1512Arg)

Gene: OTOGL (otogelin like; plus strand). Cytogenetic location: 12q21.31.
Variant type: single nucleotide variant.
Coding change: c.4534T>C on transcript NM_001378609.3 (MANE Select); coding-DNA position 4534, T replaced by C.
Protein change: p.Cys1512Arg; replaces cysteine 1512 with arginine.
Molecular consequence: missense variant.
Genome position (GRCh38, 1-based): chr12:80,336,074, T>C. VCF-style: chr12-80336074-T-C. GRCh37 (hg19) VCF-style: chr12-80729854-T-C.
Other names: c.4399T>C, p.Cys1467Arg (NM_001368062.3); c.4534T>C, p.Cys1512Arg (NM_001378610.3, NM_173591.7); short protein forms C1467R, C1512R.
Identifiers: ClinVar variation 5017188 (VCV005017188.1).

ClinVar aggregate classification (germline): Uncertain significance (1 of 4 stars; one submission).

Submission:

GeneDx
Classification: Uncertain significance. Last evaluated: 2026-04-01. Review status: criteria provided, single submitter. Criteria: GeneDx Variant Classification Process June 2021. Collection method: clinical testing. Allele origin: germline.
Comment: Not observed at significant frequency in large population cohorts (gnomAD); In silico analysis supports that this missense variant has a deleterious effect on protein structure/function; Has not been previously published as pathogenic or benign to our knowledge